The following is an entry in ClinVar:

ClinVar aggregate classification (germline): Uncertain significance. Review status: criteria provided, multiple submitters, no conflicts (2 of 4 stars). 3 submissions from 3 submitters: Uncertain significance (3). Last evaluated 2025-06-17.

Conditions:
Charcot-Marie-Tooth disease type 4. Also called: Charcot-Marie-Tooth disease, type IV; Charcot-Marie-Tooth, Type 4. Identifiers: Orphanet 64749, MedGen C4082197, MONDO:0018995.
Inborn genetic diseases. Identifiers: MedGen C0950123, MeSH D030342.

Allele frequency attached by ClinVar (database versions not stated): ExAC 0.00001; gnomAD exomes 0.00001; gnomAD 0.00005; TOPMed 0.00005.
gnomAD v4.1: 22 of 1,613,898 alleles (0.0014%); highest among the groups gnomAD compares: African/African-American, 0.023%; no homozygotes.

Submissions (3):

Ambry Genetics
Classification: Uncertain significance for Inborn genetic diseases. Last evaluated: 2025-06-17. Review status: criteria provided, single submitter. Criteria: Ambry Variant Classification Scheme 2023. Collection method: clinical testing. Allele origin: germline.

GeneDx
Classification: Uncertain significance. Last evaluated: 2024-07-22. Review status: criteria provided, single submitter. Criteria: GeneDx Variant Classification Process June 2021. Collection method: clinical testing. Allele origin: germline. Affected: yes.
Comment: In silico analysis indicates that this missense variant does not alter protein structure/function; Has not been previously published as pathogenic or benign to our knowledge

Labcorp Genetics (formerly Invitae), Labcorp
Classification: Uncertain significance for Charcot-Marie-Tooth disease type 4. Last evaluated: 2022-05-18. Review status: criteria provided, single submitter. Criteria: Invitae Variant Classification Sherloc (09022015). Collection method: clinical testing. Allele origin: germline.
Comment: This sequence change replaces lysine, which is basic and polar, with arginine, which is basic and polar, at codon 838 of the SBF2 protein (p.Lys838Arg). This variant is present in population databases (rs754783661, gnomAD 0.02%). This variant has not been reported in the literature in individuals affected with SBF2-related conditions. Algorithms developed to predict the effect of missense changes on protein structure and function output the following: SIFT: "Tolerated"; PolyPhen-2: "Benign"; Align-GVGD: "Class C0". The arginine amino acid residue is found in multiple mammalian species, which suggests that this missense change does not adversely affect protein function. In summary, the available evidence is currently insufficient to determine the role of this variant in disease. Therefore, it has been classified as a Variant of Uncertain Significance.

NM_030962.4(SBF2):c.2513A>G (p.Lys838Arg)

Genes: SBF2 (SET binding factor 2; minus strand), LOC101928008 (uncharacterized LOC101928008; plus strand). Cytogenetic location: 11p15.4.
Variant type: single nucleotide variant.
Coding change: c.2513A>G on transcript NM_030962.4 (MANE Select); coding-DNA position 2513, A replaced by G.
Protein change: p.Lys838Arg; replaces lysine 838 with arginine.
Molecular consequence: missense variant.
Genome position (GRCh38, 1-based): chr11:9,853,563, T>C on the plus strand (A>G on the coding strand, the complement: SBF2 is on the minus strand). VCF-style: chr11-9853563-T-C. GRCh37 (hg19) VCF-style: chr11-9875110-T-C.
Other names: c.2513A>G, p.Lys838Arg (NM_001386339.1); c.2384A>G, p.Lys795Arg (NM_001386342.1); short protein forms K795R, K838R.
Identifiers: ClinVar variation 2178831 (VCV002178831.5), dbSNP rs754783661, ClinGen allele CA5881549.